The following is an entry in ClinVar:

NM_000186.4(CFH):c.1069T>C (p.Cys357Arg)

Gene: CFH (complement factor H; plus strand). Cytogenetic location: 1q31.3.
Variant type: single nucleotide variant.
Coding change: c.1069T>C on transcript NM_000186.4 (MANE Select); coding-DNA position 1069, T replaced by C.
Protein change: p.Cys357Arg; replaces cysteine 357 with arginine.
Molecular consequence: missense variant.
Genome position (GRCh38, 1-based): chr1:196,689,524, T>C. VCF-style: chr1-196689524-T-C. GRCh37 (hg19) VCF-style: chr1-196658654-T-C.
Other names: c.1069T>C, p.Cys357Arg (NM_001014975.3); short protein forms C357R.
Identifiers: ClinVar variation 4291356 (VCV004291356.2).

ClinVar aggregate classification (germline): Uncertain significance. Review status: criteria provided, multiple submitters, no conflicts (2 of 4 stars). 2 submissions from 2 submitters: Uncertain significance (2). Last evaluated 2025-10-02.

Conditions:
CFH-related disorder. Also called: CFH-related condition; CFH-related disorders.
Atypical hemolytic-uremic syndrome. Identifiers: Orphanet 2134, MedGen C2931788, MONDO:0016244.

gnomAD v4.1: 7 of 1,613,518 alleles (0.00043%); highest among the groups gnomAD compares: Non-Finnish European, 0.00034%; no homozygotes.

Submissions (2):

Genomenon, Inc
Classification: Uncertain significance for Atypical hemolytic-uremic syndrome. Last evaluated: 2025-10-02. Review status: criteria provided, single submitter. Criteria: Genomenon Sequence Variant Interpretation Standards - Updated. Collection method: curation. Allele origin: germline. Affected: yes.
Comment: CFH p.Cys357Arg (c.1069T>C) is a missense variant that changes the amino acid at residue 357 from Cysteine to Arginine. This variant has been observed in at least one proband affected with atypical hemolytic-uremic syndrome (PMID:38961591). Additional clinical reports have been published (PMID:26283675). It is absent or not present at a significant frequency in gnomAD. In silico models agree that this variant is possibly or probably damaging. In conclusion, we classify CFH p.Cys357Arg (c.1069T>C) as a variant of uncertain significance.

PreventionGenetics, part of Exact Sciences
Classification: Uncertain significance for CFH-related condition. Last evaluated: 2025-02-18. Review status: criteria provided, single submitter. Criteria: ACMG Guidelines, 2015. Collection method: clinical testing. Allele origin: germline.
Comment: The CFH c.1069T>C variant is predicted to result in the amino acid substitution p.Cys357Arg. This variant has been reported in a cohort study of thrombotic microangiopathy (Table S1, Bu et al. 2016. PubMed ID: 26283675). This variant is absent in a large population database (gnomAD), indicating this variant is rare. At this time, the clinical significance of this variant is uncertain due to the absence of conclusive functional and genetic evidence.

Literature cited by the submitters: PubMed 38961591 (cited by Genomenon, Inc); PubMed 26283675 (cited by Genomenon, Inc).